The following is an entry in ClinVar:

ClinVar aggregate classification (germline): Uncertain significance. Review status: criteria provided, multiple submitters, no conflicts (2 of 4 stars). 2 submissions from 2 submitters: Uncertain significance (2). Last evaluated 2023-06-07.

Conditions:
Hereditary spastic paraplegia 28. Also called: Spastic paraplegia 28, autosomal recessive. Identifiers: Orphanet 101008, MedGen C1836295, MONDO:0012256, OMIM 609340.
Inborn genetic diseases. Identifiers: MedGen C0950123, MeSH D030342.

Allele frequency attached by ClinVar (database versions not stated): ExAC 0.00001; gnomAD exomes 0.00001 and 0.00003; TOPMed 0.00001.
gnomAD v4.1: 10 of 1,614,102 alleles (0.00062%); highest among the groups gnomAD compares: East Asian, 0.02%; no homozygotes.

Submissions (2):

Ambry Genetics
Classification: Uncertain significance for Inborn genetic diseases. Last evaluated: 2023-06-07. Review status: criteria provided, single submitter. Criteria: Ambry Variant Classification Scheme 2023. Collection method: clinical testing. Allele origin: germline.

Labcorp Genetics (formerly Invitae), Labcorp
Classification: Uncertain significance for Hereditary spastic paraplegia 28. Last evaluated: 2022-03-18. Review status: criteria provided, single submitter. Criteria: Invitae Variant Classification Sherloc (09022015). Collection method: clinical testing. Allele origin: germline.
Comment: This sequence change replaces threonine, which is neutral and polar, with isoleucine, which is neutral and non-polar, at codon 807 of the DDHD1 protein (p.Thr807Ile). This variant is present in population databases (rs769191532, gnomAD 0.05%). This variant has not been reported in the literature in individuals affected with DDHD1-related conditions. ClinVar contains an entry for this variant (Variation ID: 938027). Algorithms developed to predict the effect of missense changes on protein structure and function (SIFT, PolyPhen-2, Align-GVGD) all suggest that this variant is likely to be tolerated. In summary, the available evidence is currently insufficient to determine the role of this variant in disease. Therefore, it has been classified as a Variant of Uncertain Significance.

NM_001160148.2(DDHD1):c.2399C>T (p.Thr800Ile)

Gene: DDHD1 (DDHD domain containing 1; minus strand). Cytogenetic location: 14q22.1.
Variant type: single nucleotide variant.
Coding change: c.2399C>T on transcript NM_001160148.2 (MANE Select); coding-DNA position 2399, C replaced by T.
Protein change: p.Thr800Ile; replaces threonine 800 with isoleucine.
Molecular consequence: missense variant.
Genome position (GRCh38, 1-based): chr14:53,054,476, G>A on the plus strand (C>T on the coding strand, the complement: DDHD1 is on the minus strand). VCF-style: chr14-53054476-G-A. GRCh37 (hg19) VCF-style: chr14-53521194-G-A.
Other names: c.2420C>T, p.Thr807Ile (NM_001160147.2); c.2399C>T, p.Thr800Ile (NM_030637.3); c.2399C>T (NM_001160148.1); short protein forms T800I, T807I.
Identifiers: ClinVar variation 938027 (VCV000938027.11), dbSNP rs769191532, ClinGen allele CA7191005.